The following is an entry in ClinVar:

NM_000020.3(ACVRL1):c.526-4C>T

Gene: ACVRL1 (activin A receptor like type 1; plus strand). Cytogenetic location: 12q13.13.
Variant type: single nucleotide variant.
Coding change: c.526-4C>T on transcript NM_000020.3 (MANE Select); 4 bases into the intron before coding-DNA position 526, C replaced by T.
Molecular consequence: intron variant.
Genome position (GRCh38, 1-based): chr12:51,913,970, C>T. VCF-style: chr12-51913970-C-T. GRCh37 (hg19) VCF-style: chr12-52307754-C-T.
Other names: c.526-4C>T (NM_001406487.1, NM_001406488.1, NM_001077401.2 and 1 more transcripts); c.314-469C>T (NM_001406491.1, NM_001406490.1, NM_001406492.1 and 2 more transcripts); c.62-469C>T (NM_001406495.1).
Identifiers: ClinVar variation 2643007 (VCV002643007.24), dbSNP rs1377798329, ClinGen allele CA689764855.

ClinVar aggregate classification (germline): Uncertain significance (1 of 4 stars; one submission).

Allele frequency attached by ClinVar (database versions not stated): gnomAD 0.00001; TOPMed 0.00001.
gnomAD v4.1: 16 of 1,612,862 alleles (0.00099%); highest among the groups gnomAD compares: Non-Finnish European, 0.0014%; no homozygotes.

Submission:

CeGaT Center for Human Genetics Tuebingen
Classification: Uncertain significance. Last evaluated: 2023-07-01. Review status: criteria provided, single submitter. Criteria: CeGaT Center For Human Genetics Tuebingen Variant Classification Criteria Version 2. Collection method: clinical testing. Allele origin: germline. Affected: yes. Observed: 1 variant allele.
Comment: ACVRL1: PM2, BP4